The following is an entry in ClinVar:

NM_025009.5(CEP135):c.261del (p.Glu88fs)

Gene: CEP135 (centrosomal protein 135; plus strand). Cytogenetic location: 4q12.
Variant type: Deletion.
Coding change: c.261del on transcript NM_025009.5 (MANE Select); coding-DNA position 261, one base deleted (A; older notation c.261delA).
Protein change: p.Glu88fs; shifts the reading frame from glutamic acid 88.
Molecular consequence: frameshift variant.
Genome position (GRCh38, 1-based): chr4:55,953,232, A deleted. VCF-style (leftmost placement, unchanged base first): chr4-55953231-TA-T. GRCh37 (hg19) VCF-style: chr4-56819397-TA-T.
Other names: short protein forms E88fs.
Identifiers: ClinVar variation 4765166 (VCV004765166.1).

ClinVar aggregate classification (germline): Pathogenic (1 of 4 stars; one submission).

Submission:

Labcorp Genetics (formerly Invitae), Labcorp
Classification: Pathogenic. Last evaluated: 2025-10-07. Review status: criteria provided, single submitter. Criteria: Invitae Variant Classification Sherloc (09022015). Collection method: clinical testing. Allele origin: germline.
Comment: This sequence change creates a premature translational stop signal (p.Glu88Serfs*2) in the CEP135 gene. It is expected to result in an absent or disrupted protein product. Loss-of-function variants in CEP135 are known to be pathogenic (PMID: 22521416, 26657937). This variant is not present in population databases (gnomAD no frequency). This variant has not been reported in the literature in individuals affected with CEP135-related conditions. For these reasons, this variant has been classified as Pathogenic.

Literature cited by the submitters: PubMed 22521416; PubMed 26657937.